The following is an entry in ClinVar:

NM_001369.3(DNAH5):c.11766_11768delinsCTCTGGTTGGTGAG (p.Ala3923delinsSerGlyTrpTer)

Gene: DNAH5 (dynein axonemal heavy chain 5; minus strand). Cytogenetic location: 5p15.2.
Variant type: Indel.
Coding change: c.11766_11768delinsCTCTGGTTGGTGAG on transcript NM_001369.3 (MANE Select); coding-DNA positions 11766 to 11768, TGC replaced by CTCTGGTTGGTGAG.
Protein change: p.Ala3923delinsSerGlyTrpTer.
Molecular consequence: nonsense.
Genome position (GRCh38, 1-based): chr5:13,729,554-13,729,556, GCA replaced by CTCACCAACCAGAG on the plus strand (TGC replaced by CTCTGGTTGGTGAG on the coding strand, the reverse complement: DNAH5 is on the minus strand). VCF-style: chr5-13729554-GCA-CTCACCAACCAGAG. GRCh37 (hg19) VCF-style: chr5-13729663-GCA-CTCACCAACCAGAG.
Identifiers: ClinVar variation 1724805 (VCV001724805.2), dbSNP rs2546547472, ClinGen allele CA2580071986.

ClinVar aggregate classification (germline): Likely pathogenic (1 of 4 stars; one submission).

Conditions:
Primary ciliary dyskinesia 3. Identifiers: Orphanet 244, MedGen C1837618, MONDO:0012085, OMIM 608644.

Submission:

Myriad Genetics, Inc.
Classification: Likely pathogenic for Primary ciliary dyskinesia 3. Last evaluated: 2022-02-28. Review status: criteria provided, single submitter. Criteria: Myriad Women's Health Autosomal Recessive and X-Linked Classification Criteria (2021). Collection method: clinical testing. Allele origin: unknown.
Comment: NM_001369.2(DNAH5):c.11766_11768del3ins14(A3923Sfs*4) is expected to be pathogenic in the context of DNAH5-related primary ciliary dyskinesia. This variant is predicted to lead to an abnormal or absent protein product due to the creation of a premature termination codon in DNAH5, a gene where loss-of-function variants are known to be pathogenic. Please note: this variant was assessed in the context of healthy population screening.